The following is an entry in ClinVar:

ClinVar aggregate classification (germline): Uncertain significance. Review status: criteria provided, multiple submitters, no conflicts (2 of 4 stars). 2 submissions from 2 submitters: Uncertain significance (2). Last evaluated 2023-03-23.

Conditions:
Nephronophthisis 15 (NPHP15). Identifiers: Orphanet 3156, MedGen C3541853, MONDO:0013917, OMIM 614845.

gnomAD v4.1: 60 of 1,607,998 alleles (0.0037%); highest among the groups gnomAD compares: Non-Finnish European, 0.005%; no homozygotes.

Submissions (2):

Labcorp Genetics (formerly Invitae), Labcorp
Classification: Uncertain significance for Nephronophthisis 15. Last evaluated: 2023-03-23. Review status: criteria provided, single submitter. Criteria: Invitae Variant Classification Sherloc (09022015). Collection method: clinical testing. Allele origin: germline.
Comment: In summary, the available evidence is currently insufficient to determine the role of this variant in disease. Therefore, it has been classified as a Variant of Uncertain Significance. Advanced modeling of protein sequence and biophysical properties (such as structural, functional, and spatial information, amino acid conservation, physicochemical variation, residue mobility, and thermodynamic stability) performed at Invitae indicates that this missense variant is not expected to disrupt CEP164 protein function. This variant has not been reported in the literature in individuals affected with CEP164-related conditions. This variant is not present in population databases (gnomAD no frequency). This sequence change replaces phenylalanine, which is neutral and non-polar, with leucine, which is neutral and non-polar, at codon 1029 of the CEP164 protein (p.Phe1029Leu). ClinVar contains an entry for this variant (Variation ID: 939090).

Fulgent Genetics
Classification: Uncertain significance for Nephronophthisis 15. Last evaluated: 2021-12-31. Review status: criteria provided, single submitter. Criteria: ACMG Guidelines, 2015. Collection method: clinical testing. Allele origin: unknown.

NM_014956.5(CEP164):c.3087C>G (p.Phe1029Leu)

Gene: CEP164 (centrosomal protein 164; plus strand). Cytogenetic location: 11q23.3.
Variant type: single nucleotide variant.
Coding change: c.3087C>G on transcript NM_014956.5 (MANE Select); coding-DNA position 3087, C replaced by G.
Protein change: p.Phe1029Leu; replaces phenylalanine 1029 with leucine.
Molecular consequence: missense variant.
Genome position (GRCh38, 1-based): chr11:117,395,720, C>G. VCF-style: chr11-117395720-C-G. GRCh37 (hg19) VCF-style: chr11-117266436-C-G.
Other names: c.3096C>G, p.Phe1032Leu (NM_001271933.2); short protein forms F1029L, F1032L.
Identifiers: ClinVar variation 939090 (VCV000939090.9), dbSNP rs2045343660, ClinGen allele CA382732517.